The following is an entry in ClinVar:

ClinVar aggregate classification (germline): Pathogenic/Likely pathogenic. Review status: criteria provided, multiple submitters, no conflicts (2 of 4 stars). 9 submissions from 9 submitters: Pathogenic (3); Likely pathogenic (5). 1 of the submissions does not count toward it. Last evaluated 2026-02-25.

Conditions:
Bardet-Biedl syndrome (BBS). Identifiers: Orphanet 110, MedGen C0752166, MONDO:0015229.
Sarcotubular myopathy (LGMDR8). Also called: Autosomal recessive limb-girdle muscular dystrophy type 2H; Hutterite type of muscular dystrophy; MUSCULAR DYSTROPHY, LIMB-GIRDLE, AUTOSOMAL RECESSIVE 8; Limb-girdle muscular dystrophy, type 2H. Identifiers: Orphanet 1878, MedGen C0270968, MONDO:0009683, OMIM 254110.
Bardet-Biedl syndrome 11 (BBS11). Identifiers: Orphanet 110, MedGen C1859569, MONDO:0014439, OMIM 615988.
TRIM32-related disorder. Also called: TRIM32-related condition.

Submissions (9):

Women's Health and Genetics/Laboratory Corporation of America, LabCorp
Classification: Pathogenic for Sarcotubular myopathy. Last evaluated: 2026-02-25. Review status: criteria provided, single submitter. Criteria: LabCorp Variant Classification Summary - May 2015. Collection method: clinical testing. Allele origin: germline.
Comment: Variant summary: TRIM32 c.1108delA (p.Met370CysfsX10) results in a premature termination codon in a single coding exon gene and is predicted to cause a truncation of the encoded protein, however, nonsense mediated decay is not expected to occur. At least one downstream variant has been classified as pathogenic (c.1459G>A, p.Asp487Asn), providing evidence that the region altered by the variant is critical to protein function. The variant allele was found at a frequency of 1.6e-05 in 251390 control chromosomes. c.1108delA has been observed in an individual with clinical features of Sarcotubular myopathy (Johnson_2019). To our knowledge, no experimental evidence demonstrating an impact on protein function has been reported. The following publication has been ascertained in the context of this evaluation (PMID: 29921608). ClinVar contains an entry for this variant (Variation ID: 462946). Based on the evidence outlined above, the variant was classified as pathogenic.

Labcorp Genetics (formerly Invitae), Labcorp
Classification: Pathogenic for Bardet-Biedl syndrome. Last evaluated: 2025-09-14. Review status: criteria provided, single submitter. Criteria: Invitae Variant Classification Sherloc (09022015). Collection method: clinical testing. Allele origin: germline.
Comment: This sequence change creates a premature translational stop signal (p.Met370Cysfs*10) in the TRIM32 gene. While this is not anticipated to result in nonsense mediated decay, it is expected to disrupt the last 284 amino acid(s) of the TRIM32 protein. This variant is present in population databases (rs759376012, gnomAD 0.004%). This premature translational stop signal has been observed in individual(s) with muscular dystrophy (internal data). In at least one individual the data is consistent with being in trans (on the opposite chromosome) from a pathogenic variant. ClinVar contains an entry for this variant (Variation ID: 462946). This variant disrupts the p.Asp487 amino acid residue in TRIM32. Other variant(s) that disrupt this residue have been determined to be pathogenic (PMID: 11822024, 15786463, 21775502, 23142638). This suggests that this residue is clinically significant, and that variants that disrupt this residue are likely to be disease-causing. For these reasons, this variant has been classified as Pathogenic.

Blueprint Genetics
Classification: Likely pathogenic for TRIM32-related disorders. Last evaluated: 2024-06-25. Review status: criteria provided, single submitter. Criteria: ACMG Guidelines, 2015. Collection method: clinical testing. Allele origin: germline. Affected: yes. Observed: 2 variant alleles.

Fulgent Genetics
Classification: Likely pathogenic for Sarcotubular myopathy; Bardet-Biedl syndrome 11. Last evaluated: 2024-01-20. Review status: criteria provided, single submitter. Criteria: ACMG Guidelines, 2015. Collection method: clinical testing. Allele origin: germline.

GeneDx
Classification: Likely pathogenic. Last evaluated: 2021-02-01. Review status: criteria provided, single submitter. Criteria: GeneDx Variant Classification Process June 2021. Collection method: clinical testing. Allele origin: germline. Affected: yes.
Comment: Frameshift variant predicted to result in protein truncation, as the last 284 amino acids are replaced with 9 different amino acids, and other loss-of-function variants have been reported downstream in the Human Gene Mutation Database (Stenson et al., 2014); Not observed at a significant frequency in large population cohorts (Lek et al., 2016); Reported as pathogenic/likely pathogenic in ClinVar but additional evidence is not available (SCV000856588.1, SCV000636498.3, SCV001155715.4; Landrum et al., 2016); Has not been previously published as pathogenic or benign to our knowledge; This variant is associated with the following publications: (PMID: 11822024, 15786463, 21775502, 23142638)

Revvity Omics, Revvity
Classification: Pathogenic. Last evaluated: 2020-07-28. Review status: criteria provided, single submitter. Criteria: ACMG Guidelines, 2015. Collection method: clinical testing. Allele origin: germline.

Eurofins Ntd Llc (ga)
Classification: Likely pathogenic. Last evaluated: 2017-09-06. Review status: criteria provided, single submitter. Criteria: EGL Classification Definitions 2015. Collection method: clinical testing. Allele origin: germline. Observed: 1 variant allele, 1 heterozygote.

CeGaT Center for Human Genetics Tuebingen
Classification: Likely pathogenic. Last evaluated: 2016-11-01. Review status: criteria provided, single submitter. Criteria: CeGaT Center For Human Genetics Tuebingen Variant Classification Criteria Version 2. Collection method: clinical testing. Allele origin: germline. Affected: yes. Observed: 1 variant allele.

PreventionGenetics, part of Exact Sciences
Classification: Pathogenic for TRIM32-related condition. Last evaluated: 2024-07-29. Review status: no assertion criteria provided. Collection method: clinical testing. Allele origin: germline. Not counted in ClinVar's aggregate classification.
Comment: The TRIM32 c.1108delA variant is predicted to result in a frameshift and premature protein termination (p.Met370Cysfs*10). In addition, this variant has been classified as likely pathogenic or pathogenic by two other clinical laboratories. This variant is reported in 0.0035% of alleles in individuals of European (Non-Finnish) descent in gnomAD. Frameshift variants in TRIM32 are expected to be pathogenic. This variant is interpreted as pathogenic.

Literature cited by the submitters: PubMed 29921608 (cited by Women's Health and Genetics/Laboratory Corporation of America, LabCorp); PubMed 11822024 (cited by Labcorp Genetics (formerly Invitae), Labcorp); PubMed 15786463 (cited by Labcorp Genetics (formerly Invitae), Labcorp); PubMed 21775502 (cited by Labcorp Genetics (formerly Invitae), Labcorp); PubMed 23142638 (cited by Labcorp Genetics (formerly Invitae), Labcorp).

NM_012210.4(TRIM32):c.1108del (p.Met370fs)

Genes: ASTN2 (astrotactin 2; minus strand), TRIM32 (tripartite motif containing 32; plus strand). Cytogenetic location: 9q33.1.
Variant type: Deletion.
Coding change: c.1108del on transcript NM_012210.4 (MANE Select); coding-DNA position 1108, one base deleted (A; older notation c.1108delA).
Protein change: p.Met370fs; shifts the reading frame from methionine 370.
Molecular consequence: frameshift variant. On other transcripts: intron variant (3).
Genome position (GRCh38, 1-based): chr9:116,698,850, A deleted; the last of 2 consecutive A bases (chr9:116,698,849-116,698,850); deleting either gives the same sequence. VCF-style (leftmost placement, unchanged base first): chr9-116698848-GA-G. GRCh37 (hg19) VCF-style: chr9-119461127-GA-G.
Other names: c.1108delA (NM_012210.4); c.1108del, p.Met370fs (NM_001099679.2, NM_001379048.1, NM_001379049.1 and 1 more transcripts); c.1108delA, p.Met370Cysfs (NM_012210.3); c.2653+26922del (NM_014010.5); c.2794+26922del (NM_001365069.1); c.2806+26922del (NM_001365068.1); short protein forms M370fs.
Identifiers: ClinVar variation 462946 (VCV000462946.64), dbSNP rs759376012, ClinGen allele CA5211105.